The following is an entry in ClinVar:

ClinVar aggregate classification (germline): Conflicting classifications of pathogenicity. Review status: criteria provided, conflicting classifications (1 of 4 stars). 5 submissions from 2 submitters: Uncertain significance (1); Benign (4). Last evaluated 2023-05-01.

Conditions:
Neuropathy, congenital hypomyelinating, 2. Identifiers: MedGen C4722277, MONDO:0020765, OMIM 618184.
Charcot-Marie-Tooth disease type 1B. Also called: Charcot-Marie-Tooth disease, type IB; CHARCOT-MARIE-TOOTH DISEASE, AUTOSOMAL DOMINANT, WITH FOCALLY FOLDED MYELIN SHEATHS, TYPE 1B; CHARCOT-MARIE-TOOTH DISEASE, SLOW NERVE CONDUCTION TYPE, LINKED TO DUFFY; CHARCOT-MARIE-TOOTH NEUROPATHY, TYPE 1B; HEREDITARY MOTOR AND SENSORY NEUROPATHY I; HEREDITARY MOTOR AND SENSORY NEUROPATHY IB. Identifiers: Orphanet 101082, MedGen C0270912, MONDO:0007307, OMIM 118200.
Charcot-Marie-Tooth disease dominant intermediate D. Also called: CHARCOT-MARIE-TOOTH NEUROPATHY, DOMINANT INTERMEDIATE D; Charcot-Marie-Tooth disease dominant intermediate 3; CMT DI3. Identifiers: Orphanet 100046, MedGen C1843075, MONDO:0011909, OMIM 607791.
Roussy-Lévy syndrome. Also called: Roussy-Levy Syndrome; Roussy Levy hereditary areflexic dystasia; Roussy-Levy disease; Hereditary areflexic dystasia. Identifiers: Orphanet 3115, MedGen C0205713, MONDO:0008392, OMIM 180800.

Allele frequency attached by ClinVar (database versions not stated): 1000 Genomes Project 0.00180; 1000 Genomes Project 30x 0.00234; gnomAD 0.00636 and 0.00663; TOPMed 0.00687; gnomAD exomes 0.00778.
gnomAD v4.1: 972 of 152,766 alleles (0.64%); highest among the groups gnomAD compares: Non-Finnish European, 1.1%; 5 homozygotes.

Submissions (5):

CeGaT Center for Human Genetics Tuebingen
Classification: Benign. Last evaluated: 2023-05-01. Review status: criteria provided, single submitter. Criteria: CeGaT Center For Human Genetics Tuebingen Variant Classification Criteria Version 2. Collection method: clinical testing. Allele origin: germline. Affected: yes. Observed: 12 variant alleles.
Comment: MPZ: BS1, BS2

Illumina Laboratory Services, Illumina
Classification: Benign for Charcot-Marie-Tooth disease dominant intermediate D. Last evaluated: 2018-01-12. Review status: criteria provided, single submitter. Criteria: ICSL Variant Classification Criteria 13 December 2019. Collection method: clinical testing. Allele origin: germline.
Comment: This variant was observed in the ICSL laboratory as part of a predisposition screen in an ostensibly healthy population. It had not been previously curated by ICSL or reported in the Human Gene Mutation Database (HGMD: prior to June 1st, 2018), and was therefore a candidate for classification through an automated scoring system. Utilizing variant allele frequency, disease prevalence and penetrance estimates, and inheritance mode, an automated score was calculated to assess if this variant is too frequent to cause the disease. Based on the score and internal cut-off values, a variant classified as benign is not then subjected to further curation. The score for this variant resulted in a classification of benign for this disease.

Illumina Laboratory Services, Illumina
Classification: Benign for Charcot-Marie-Tooth disease type 1B. Last evaluated: 2018-01-12. Review status: criteria provided, single submitter. Criteria: ICSL Variant Classification Criteria 13 December 2019. Collection method: clinical testing. Allele origin: germline.
Comment: the same text as in the submission from Illumina Laboratory Services, Illumina above.

Illumina Laboratory Services, Illumina
Classification: Benign for Roussy-Lévy syndrome. Last evaluated: 2018-01-12. Review status: criteria provided, single submitter. Criteria: ICSL Variant Classification Criteria 13 December 2019. Collection method: clinical testing. Allele origin: germline.
Comment: the same text as in the submission from Illumina Laboratory Services, Illumina above.

Illumina Laboratory Services, Illumina
Classification: Uncertain significance for Neuropathy, congenital hypomyelinating, 2. Last evaluated: 2018-01-12. Review status: criteria provided, single submitter. Criteria: ICSL Variant Classification Criteria 13 December 2019. Collection method: clinical testing. Allele origin: germline.

NM_000530.8(MPZ):c.*1048A>T

Gene: MPZ (myelin protein zero; minus strand). Cytogenetic location: 1q23.3.
Variant type: single nucleotide variant.
Coding change: c.*1048A>T on transcript NM_000530.8 (MANE Select); 1048 bases downstream of the stop codon, A replaced by T.
Molecular consequence: 3 prime UTR variant.
Genome position (GRCh38, 1-based): chr1:161,304,828, T>A on the plus strand (A>T on the coding strand, the complement: MPZ is on the minus strand). VCF-style: chr1-161304828-T-A. GRCh37 (hg19) VCF-style: chr1-161274618-T-A.
Other names: c.*1048A>T (LRG_256t1); c.*856A>T (NM_001315491.2).
Identifiers: ClinVar variation 293299 (VCV000293299.37), dbSNP rs71639057, ClinGen allele CA10608566.